The following is an entry in ClinVar:

NM_000548.5(TSC2):c.3848G>C (p.Cys1283Ser)

Gene: TSC2 (TSC complex subunit 2; plus strand). Cytogenetic location: 16p13.3.
Variant type: single nucleotide variant.
Coding change: c.3848G>C on transcript NM_000548.5 (MANE Select); coding-DNA position 3848, G replaced by C.
Protein change: p.Cys1283Ser; replaces cysteine 1283 with serine.
Molecular consequence: missense variant. On other transcripts: intron variant (33), non-coding transcript variant (1).
Genome position (GRCh38, 1-based): chr16:2,082,469, G>C. VCF-style: chr16-2082469-G-C. GRCh37 (hg19) VCF-style: chr16-2132470-G-C.
Other names: c.3116G>C, p.Cys1039Ser (NM_001318831.2); c.3716G>C, p.Cys1239Ser (NM_001370404.1, NM_001406665.1); c.3719G>C, p.Cys1240Ser (NM_001370405.1, NM_021055.3); c.3845G>C, p.Cys1282Ser (NM_001406663.1); c.3248G>C, p.Cys1083Ser (NM_001406680.1); c.3814+671G>C (NM_001114382.3); c.3811+671G>C (NM_001406664.1); c.3685+671G>C (NM_001363528.2); and 25 more; short protein forms C1083S, C791S, C1240S, C1282S, C1283S, C1039S, C1239S, C792S.
Identifiers: ClinVar variation 5031341 (VCV005031341.1).
Genomic context (GRCh38, chr16:2,082,469, plus strand): 5'-GTGGCCGCACACGGCCTTCCCTTGCAGTGGCCTCTTTCTCCTCCCTGTACCAGTCCAGCT[G>C]CCAAGGACAGCTGCACAGGAGCGTTTCCTGGGCAGGTATCGCCTCTCAGAGGGAAGCGGT-3'
Protein context (NP_000539.2, residues 1273-1293): ASFSSLYQSS[Cys1283Ser]QGQLHRSVSW

ClinVar aggregate classification (germline): Uncertain significance (1 of 4 stars; one submission).

Conditions:
Hereditary cancer-predisposing syndrome. Also called: Neoplastic Syndromes, Hereditary; Tumor predisposition; Hereditary neoplastic syndrome; Hereditary Cancer Syndrome. Identifiers: Orphanet 140162, MedGen C0027672, MeSH D009386, MONDO:0015356.

Submission:

Ambry Genetics
Classification: Uncertain significance for Hereditary cancer-predisposing syndrome. Last evaluated: 2026-07-06. Review status: criteria provided, single submitter. Criteria: Ambry Variant Classification Scheme 2023. Collection method: clinical testing. Allele origin: germline.
Comment: The p.C1283S variant (also known as c.3848G>C), located in coding exon 31 of the TSC2 gene, results from a G to C substitution at nucleotide position 3848. The cysteine at codon 1283 is replaced by serine, an amino acid with dissimilar properties. This amino acid position is conserved. In addition, the in silico prediction for this alteration is inconclusive. Based on the available evidence, the clinical significance of this variant remains unclear.